The following is an entry in ClinVar:

ClinVar aggregate classification (germline): Uncertain significance. Review status: criteria provided, multiple submitters, no conflicts (2 of 4 stars). 2 submissions from 2 submitters: Uncertain significance (2). Last evaluated 2025-04-03.

Allele frequency attached by ClinVar (database versions not stated): TOPMed below 0.00001.

Submissions (2):

Labcorp Genetics (formerly Invitae), Labcorp
Classification: Uncertain significance. Last evaluated: 2025-04-03. Review status: criteria provided, single submitter. Criteria: Invitae Variant Classification Sherloc (09022015). Collection method: clinical testing. Allele origin: germline.
Comment: This sequence change replaces glutamic acid, which is acidic and polar, with lysine, which is basic and polar, at codon 376 of the NPAT protein (p.Glu376Lys). This variant is not present in population databases (gnomAD no frequency). This variant has not been reported in the literature in individuals affected with NPAT-related conditions. ClinVar contains an entry for this variant (Variation ID: 2587651). An algorithm developed to predict the effect of missense changes on protein structure and function (PolyPhen-2) suggests that this variant is likely to be tolerated. In summary, the available evidence is currently insufficient to determine the role of this variant in disease. Therefore, it has been classified as a Variant of Uncertain Significance.

Ambry Genetics
Classification: Uncertain significance. Last evaluated: 2023-06-21. Review status: criteria provided, single submitter. Criteria: Ambry Variant Classification Scheme 2023. Collection method: clinical testing. Allele origin: germline.
Comment: The p.E376K variant (also known as c.1126G>A), located in coding exon 12 of the NPAT gene, results from a G to A substitution at nucleotide position 1126. The glutamic acid at codon 376 is replaced by lysine, an amino acid with similar properties. This amino acid position is conserved. In addition, this alteration is predicted to be tolerated by in silico analysis. Since supporting evidence is limited at this time, the clinical significance of this alteration remains unclear.

NM_002519.3(NPAT):c.1126G>A (p.Glu376Lys)

Gene: NPAT (nuclear protein, coactivator of histone transcription; minus strand). Cytogenetic location: 11q22.3.
Variant type: single nucleotide variant.
Coding change: c.1126G>A on transcript NM_002519.3 (MANE Select); coding-DNA position 1126, G replaced by A.
Protein change: p.Glu376Lys; replaces glutamic acid 376 with lysine.
Molecular consequence: missense variant.
Genome position (GRCh38, 1-based): chr11:108,176,252, C>T on the plus strand (G>A on the coding strand, the complement: NPAT is on the minus strand). VCF-style: chr11-108176252-C-T. GRCh37 (hg19) VCF-style: chr11-108046979-C-T.
Other names: c.1126G>A, p.Glu376Lys (NM_001321307.1); short protein forms E376K.
Identifiers: ClinVar variation 2587651 (VCV002587651.3), dbSNP rs1323813450, ClinGen allele CA382516599.